The following is an entry in ClinVar:

NM_000540.3(RYR1):c.4480G>C (p.Val1494Leu)

Gene: RYR1 (ryanodine receptor 1; plus strand). Cytogenetic location: 19q13.2.
Variant type: single nucleotide variant.
Coding change: c.4480G>C on transcript NM_000540.3 (MANE Select); coding-DNA position 4480, G replaced by C.
Protein change: p.Val1494Leu; replaces valine 1494 with leucine.
Molecular consequence: missense variant.
Genome position (GRCh38, 1-based): chr19:38,478,460, G>C. VCF-style: chr19-38478460-G-C. GRCh37 (hg19) VCF-style: chr19-38969100-G-C.
Other names: p.Val1494Leu; c.4480G>C, p.Val1494Leu (NM_001042723.2); short protein forms V1494L.
Identifiers: ClinVar variation 329028 (VCV000329028.8), dbSNP rs886054387, ClinGen allele CA10642719.

ClinVar aggregate classification (germline): Uncertain significance. Review status: criteria provided, multiple submitters, no conflicts (2 of 4 stars). 4 submissions from 3 submitters: Uncertain significance (4). Last evaluated 2023-10-10.

Conditions:
Congenital multicore myopathy with external ophthalmoplegia (CMYO1B). Also called: MULTICORE MYOPATHY; Minicore myopathy with external ophthalmoplegia; Congenital myopathy 1B, autosomal recessive; Minicore myopathy; MULTIMINICORE DISEASE WITH EXTERNAL OPHTHALMOPLEGIA. Identifiers: Orphanet 598, Orphanet 98905, MedGen C1850674, MONDO:0009712, OMIM 255320, HP:0003789.
Malignant hyperthermia, susceptibility to, 1 (MHS1). Also called: Anesthesia related hyperthermia; Malignant hyperpyrexia; Fulminating hyperpyrexia; Pharmacogenic myopathy; RYR1-Related Malignant Hyperthermia Susceptibility; Malignant hyperthermia suceptibility 1. Identifiers: Orphanet 423, MedGen C2930980, MONDO:0007783, OMIM 145600.

Allele frequency attached by ClinVar (database versions not stated): gnomAD exomes 0.00001.
gnomAD v4.1: 7 of 1,613,980 alleles (0.00043%); highest among the groups gnomAD compares: Non-Finnish European, 0.00059%; no homozygotes.

Submissions (4):

Mayo Clinic Laboratories, Mayo Clinic
Classification: Uncertain significance. Last evaluated: 2023-10-10. Review status: criteria provided, single submitter. Criteria: ACMG Guidelines, 2015. Collection method: clinical testing. Allele origin: germline. Observed: 1 variant allele.

All of Us Research Program, National Institutes of Health
Classification: Uncertain significance for Malignant hyperthermia, susceptibility to, 1. Last evaluated: 2023-06-26. Review status: criteria provided, single submitter. Criteria: ACMG Guidelines, 2015. Collection method: clinical testing. Allele origin: germline. Inheritance: Autosomal dominant inheritance. Observed: 2 variant alleles, 2 heterozygotes.
Comment: This missense variant replaces valine with leucine at codon 1494 of the RYR1 protein. Computational prediction suggests that this variant may not impact protein structure and function (internally defined REVEL score threshold <= 0.5, PMID: 27666373). To our knowledge, functional studies have not been reported for this variant. This variant has not been reported in individuals affected with RYR1-related disorders in the literature. This variant has been identified in 2/251272 chromosomes in the general population by the Genome Aggregation Database (gnomAD). The available evidence is insufficient to determine the role of this variant in disease conclusively. Therefore, this variant is classified as a Variant of Uncertain Significance.

This study involves interpretation of variants in research participants for the purpose of population health screening. Participant phenotype was not available at the time of variant classification. Additional details can be found in publication PMID: 35346344, PMCID: PMC8962531

Illumina Laboratory Services, Illumina
Classification: Uncertain significance for Congenital multicore myopathy with external ophthalmoplegia. Last evaluated: 2018-01-12. Review status: criteria provided, single submitter. Criteria: ICSL Variant Classification Criteria 13 December 2019. Collection method: clinical testing. Allele origin: germline.

Illumina Laboratory Services, Illumina
Classification: Uncertain significance for Malignant hyperthermia, susceptibility to, 1. Last evaluated: 2018-01-12. Review status: criteria provided, single submitter. Criteria: ICSL Variant Classification Criteria 13 December 2019. Collection method: clinical testing. Allele origin: germline.